The following is an entry in ClinVar:

NM_000535.7(PMS2):c.921T>G (p.Asn307Lys)

Gene: PMS2 (PMS1 homolog 2, mismatch repair system component; minus strand). Cytogenetic location: 7p22.1.
Variant type: single nucleotide variant.
Coding change: c.921T>G on transcript NM_000535.7 (MANE Select); coding-DNA position 921, T replaced by G.
Protein change: p.Asn307Lys; replaces asparagine 307 with lysine.
Molecular consequence: missense variant. On other transcripts: 5 prime UTR variant (2), non-coding transcript variant (1).
Genome position (GRCh38, 1-based): chr7:5,992,040, A>C on the plus strand (T>G on the coding strand, the complement: PMS2 is on the minus strand). VCF-style: chr7-5992040-A-C. GRCh37 (hg19) VCF-style: chr7-6031671-A-C.
Other names: c.516T>G, p.Asn172Lys (NM_001322003.2, NM_001322004.2, NM_001322005.2 and 2 more transcripts); c.921T>G, p.Asn307Lys (NM_001322006.2, NM_001322014.2); c.603T>G, p.Asn201Lys (NM_001322007.2, NM_001322008.2); c.-13T>G (NM_001322011.2, NM_001322012.2); c.348T>G, p.Asn116Lys (NM_001322013.2); c.612T>G, p.Asn204Lys (NM_001322015.2); short protein forms N307K, N116K, N204K, N172K, N201K.
Identifiers: ClinVar variation 91381 (VCV000091381.11), dbSNP rs587779346, ClinGen allele CA013272.

ClinVar aggregate classification (germline): Uncertain significance. Review status: criteria provided, multiple submitters, no conflicts (2 of 4 stars). 3 submissions from 3 submitters: Uncertain significance (3). Last evaluated 2026-04-14.

Conditions:
Hereditary nonpolyposis colorectal neoplasms. Identifiers: MedGen C0009405, MeSH D003123.
Hereditary cancer-predisposing syndrome. Also called: Neoplastic Syndromes, Hereditary; Hereditary neoplastic syndrome; Tumor predisposition; Hereditary Cancer Syndrome. Identifiers: Orphanet 140162, MedGen C0027672, MeSH D009386, MONDO:0015356.

Submissions (3):

Ambry Genetics
Classification: Uncertain significance for Hereditary cancer-predisposing syndrome. Last evaluated: 2026-04-14. Review status: criteria provided, single submitter. Criteria: Ambry Variant Classification Scheme 2023. Collection method: clinical testing. Allele origin: germline.
Comment: The p.N307K variant (also known as c.921T>G), located in coding exon 9 of the PMS2 gene, results from a T to G substitution at nucleotide position 921. The asparagine at codon 307 is replaced by lysine, an amino acid with similar properties. This amino acid position is highly conserved in available vertebrate species. In addition, the in silico prediction for this alteration is inconclusive. Based on the available evidence, the clinical significance of this variant remains unclear.

Color Diagnostics, LLC DBA Color Health
Classification: Uncertain significance for Hereditary cancer-predisposing syndrome. Last evaluated: 2025-10-07. Review status: criteria provided, single submitter. Criteria: ACMG Guidelines, 2015. Collection method: clinical testing. Allele origin: germline.
Comment: This missense variant replaces asparagine with lysine at codon 307 of the PMS2 protein. Computational prediction is inconclusive regarding the impact of this variant on protein structure and function. This variant exhibited 50% DNA repair activity in an in vitro mismatch repair assay (CIMRAPMID: 27435373). This variant has been reported in trans with PMS2 c.137G>T (p.Ser46Ile) in an individual affected with colorectal cancer (PMID: 27435373). This variant has not been identified in the general population by the Genome Aggregation Database (gnomAD). The available evidence is insufficient to determine the role of this variant in disease conclusively. Therefore, this variant is classified as a Variant of Uncertain Significance.

Labcorp Genetics (formerly Invitae), Labcorp
Classification: Uncertain significance for Hereditary nonpolyposis colorectal neoplasms. Last evaluated: 2023-09-15. Review status: criteria provided, single submitter. Criteria: Invitae Variant Classification Sherloc (09022015). Collection method: clinical testing. Allele origin: germline.
Comment: Experimental studies are conflicting or provide insufficient evidence to determine the effect of this variant on PMS2 function (PMID: 27435373). Advanced modeling of protein sequence and biophysical properties (such as structural, functional, and spatial information, amino acid conservation, physicochemical variation, residue mobility, and thermodynamic stability) performed at Invitae indicates that this missense variant is expected to disrupt PMS2 protein function. ClinVar contains an entry for this variant (Variation ID: 91381). This missense change has been observed on the opposite chromosome (in trans) from a pathogenic variant in PMS2 in at least one individual (PMID: 27435373), which suggests that this variant may not be disease-causing. This variant has not been reported in the literature in individuals affected with PMS2-related conditions. This variant is not present in population databases (gnomAD no frequency). This sequence change replaces asparagine, which is neutral and polar, with lysine, which is basic and polar, at codon 307 of the PMS2 protein (p.Asn307Lys). In summary, the available evidence is currently insufficient to determine the role of this variant in disease. Therefore, it has been classified as a Variant of Uncertain Significance.

Literature cited by the submitters: PubMed 27435373 (cited by Color Diagnostics, LLC DBA Color Health and Labcorp Genetics (formerly Invitae), Labcorp).